The following is an entry in ClinVar:

NM_001851.6(COL9A1):c.88+5G>A

Gene: COL9A1 (collagen type IX alpha 1 chain; minus strand). Cytogenetic location: 6q13.
Variant type: single nucleotide variant.
Coding change: c.88+5G>A on transcript NM_001851.6 (MANE Select); 5 bases into the intron after coding-DNA position 88, G replaced by A.
Molecular consequence: intron variant.
Genome position (GRCh38, 1-based): chr6:70,301,996, C>T on the plus strand (G>A on the coding strand, the complement: COL9A1 is on the minus strand). VCF-style: chr6-70301996-C-T. GRCh37 (hg19) VCF-style: chr6-71011699-C-T.
Other names: c.88+5G>A (NM_001377291.1).
Identifiers: ClinVar variation 3346902 (VCV003346902.1).

ClinVar aggregate classification (germline): Uncertain significance (0 of 4 stars; one submission).

Conditions:
COL9A1-related disorder. Also called: COL9A1-related condition; COL9A1-related disorders.

gnomAD v4.1: 2 of 1,607,544 alleles (0.00012%); highest among the groups gnomAD compares: Non-Finnish European, 0.00017%; no homozygotes.

Submission:

PreventionGenetics, part of Exact Sciences
Classification: Uncertain significance for COL9A1-related condition. Last evaluated: 2024-05-14. Review status: no assertion criteria provided. Collection method: clinical testing. Allele origin: germline.
Comment: The COL9A1 c.88+5G>A variant is predicted to interfere with splicing. This variant is predicted to decrease the strength of the canonical splice donor site (SpliceAI, Jaganathan et al. 2019. PubMed ID: 30661751). To our knowledge, this variant has not been reported in the literature. This variant is reported in 0.0034% of alleles in individuals of South Asian descent in gnomAD. At this time, the clinical significance of this variant is uncertain due to the absence of conclusive functional and genetic evidence.